The following is an entry in ClinVar:

NM_006363.6(SEC23B):c.1400A>G (p.Asn467Ser)

Gene: SEC23B (SEC23 homolog B, COPII component; plus strand). Cytogenetic location: 20p11.23.
Variant type: single nucleotide variant.
Coding change: c.1400A>G on transcript NM_006363.6 (MANE Select); coding-DNA position 1400, A replaced by G.
Protein change: p.Asn467Ser; replaces asparagine 467 with serine.
Molecular consequence: missense variant.
Genome position (GRCh38, 1-based): chr20:18,535,738, A>G. VCF-style: chr20-18535738-A-G. GRCh37 (hg19) VCF-style: chr20-18516382-A-G.
Other names: c.1400A>G, p.Asn467Ser (NM_001172745.3, NM_032985.6, NM_032986.5); c.1346A>G, p.Asn449Ser (NM_001172746.3); short protein forms N449S, N467S.
Identifiers: ClinVar variation 1425098 (VCV001425098.6), dbSNP rs150210442, ClinGen allele CA9778337.
Genomic context (GRCh38, chr20:18,535,738, plus strand): 5'-AGTGGAAAATCTGTGGCCTAGATCCTACATCTACACTTGGCATCTATTTTGAAGTTGTCA[A>G]TCAGGTGAGTTGGATTTCTTCACATGTCTTCATGTCTTAGTGTCCTGTTTTGTGATTTAT-3'
Protein context (NP_006354.2, residues 457-477): STLGIYFEVV[Asn467Ser]QHNTPIPQGG

ClinVar aggregate classification (germline): Uncertain significance (1 of 4 stars; one submission).

Conditions:
Congenital dyserythropoietic anemia, type II (CDAN2). Also called: DYSERYTHROPOIETIC ANEMIA, HEMPAS TYPE. Identifiers: Orphanet 98873, MedGen C1306589, MONDO:0009134, OMIM 224100.
Cowden syndrome 7 (CWS7). Identifiers: Orphanet 201, MedGen C4225179, MONDO:0014802, OMIM 616858.

Allele frequency attached by ClinVar (database versions not stated): gnomAD 0.00001; gnomAD exomes 0.00001; TOPMed 0.00001; ExAC 0.00002; ESP Exome Variant Server 0.00008.
gnomAD v4.1: 17 of 1,612,088 alleles (0.0011%); highest among the groups gnomAD compares: African/African-American, 0.0027%; no homozygotes.

Submission:

Labcorp Genetics (formerly Invitae), Labcorp
Classification: Uncertain significance for Congenital dyserythropoietic anemia, type II; Cowden syndrome 7. Last evaluated: 2025-08-27. Review status: criteria provided, single submitter. Criteria: Invitae Variant Classification Sherloc (09022015). Collection method: clinical testing. Allele origin: germline.
Comment: This sequence change replaces asparagine, which is neutral and polar, with serine, which is neutral and polar, at codon 467 of the SEC23B protein (p.Asn467Ser). This variant is present in population databases (rs150210442, gnomAD 0.003%). This variant has not been reported in the literature in individuals affected with SEC23B-related conditions. ClinVar contains an entry for this variant (Variation ID: 1425098). Invitae Evidence Modeling of protein sequence and biophysical properties (such as structural, functional, and spatial information, amino acid conservation, physicochemical variation, residue mobility, and thermodynamic stability) indicates that this missense variant is not expected to disrupt SEC23B protein function with a negative predictive value of 95%. In summary, the available evidence is currently insufficient to determine the role of this variant in disease. Therefore, it has been classified as a Variant of Uncertain Significance.